The following is an entry in ClinVar:

ClinVar aggregate classification (germline): Uncertain significance (1 of 4 stars; one submission).

Conditions:
Retinoblastoma (RB1). Also called: RETINOBLASTOMA, SOMATIC. Identifiers: Orphanet 790, MedGen C0035335, MeSH D012175, MONDO:0008380, OMIM 180200, HP:0009919. Disease mechanism: loss of function. Inheritance: Both sporadic and heritable forms are tested..

gnomAD v4.1: 2 of 1,503,556 alleles (0.00013%); highest among the groups gnomAD compares: East Asian, 0.0027%; no homozygotes.

Submission:

Labcorp Genetics (formerly Invitae), Labcorp
Classification: Uncertain significance for Retinoblastoma. Last evaluated: 2024-11-28. Review status: criteria provided, single submitter. Criteria: Invitae Variant Classification Sherloc (09022015). Collection method: clinical testing. Allele origin: germline.
Comment: This sequence change replaces alanine, which is neutral and non-polar, with valine, which is neutral and non-polar, at codon 14 of the RB1 protein (p.Ala14Val). This variant is not present in population databases (gnomAD no frequency). This variant has not been reported in the literature in individuals affected with RB1-related conditions. Invitae Evidence Modeling of protein sequence and biophysical properties (such as structural, functional, and spatial information, amino acid conservation, physicochemical variation, residue mobility, and thermodynamic stability) has been performed for this missense variant. However, the output from this modeling did not meet the statistical confidence thresholds required to predict the impact of this variant on RB1 protein function. In summary, the available evidence is currently insufficient to determine the role of this variant in disease. Therefore, it has been classified as a Variant of Uncertain Significance.

NM_000321.3(RB1):c.41C>T (p.Ala14Val)

Gene: RB1 (RB transcriptional corepressor 1; plus strand). Cytogenetic location: 13q14.2.
Variant type: single nucleotide variant.
Coding change: c.41C>T on transcript NM_000321.3 (MANE Select); coding-DNA position 41, C replaced by T.
Protein change: p.Ala14Val; replaces alanine 14 with valine.
Molecular consequence: missense variant.
Genome position (GRCh38, 1-based): chr13:48,303,953, C>T. VCF-style: chr13-48303953-C-T. GRCh37 (hg19) VCF-style: chr13-48878089-C-T.
Other names: c.41C>T, p.Ala14Val (NM_001407165.1, NM_001407166.1, NM_001407167.1); short protein forms A14V.
Identifiers: ClinVar variation 3664831 (VCV003664831.2).